The following is an entry in ClinVar:

ClinVar aggregate classification (germline): Uncertain significance (1 of 4 stars; one submission).

Conditions:
Colorectal cancer, susceptibility to, 12 (CRCS12). Also called: COLORECTAL CANCER, SUSCEPTIBILITY TO, ON CHROMOSOME 12q24. Identifiers: Orphanet 220460, MedGen C3554460, MONDO:0014038, OMIM 615083.

Submission:

Labcorp Genetics (formerly Invitae), Labcorp
Classification: Uncertain significance for Colorectal cancer, susceptibility to, 12. Last evaluated: 2019-07-02. Review status: criteria provided, single submitter. Criteria: Invitae Variant Classification Sherloc (09022015). Collection method: clinical testing. Allele origin: germline.
Comment: This variant is a gross duplication of the genomic region encompassing exons 1-25 of the POLE gene. The 5' end of this event is unknown as it extends beyond the assayed region for this gene and therefore may encompass additional genes. The 3' boundary is likely confined to intron 25 of the POLE gene. The exact location of this variant in the genome is unknown. This variant has not been reported in the literature in individuals with POLE-related disease. Experimental studies and prediction algorithms are not available for this variant, and the functional significance of the duplicated amino acids is currently unknown. In summary, the available evidence is currently insufficient to determine the role of this variant in disease. Therefore, it has been classified as a Variant of Uncertain Significance.

NC_000012.12:g.(?_132660959)_(132687325_?)dup

Gene: POLE (DNA polymerase epsilon, catalytic subunit; minus strand). Cytogenetic location: 12q24.33.
Variant type: Duplication.
Identifiers: ClinVar variation 831728 (VCV000831728.1).